The following is an entry in ClinVar:

NM_032242.4(PLXNA1):c.1474C>T (p.Leu492Phe)

Gene: PLXNA1 (plexin A1; plus strand). Cytogenetic location: 3q21.3.
Variant type: single nucleotide variant.
Coding change: c.1474C>T on transcript NM_032242.4 (MANE Select); coding-DNA position 1474, C replaced by T.
Protein change: p.Leu492Phe; replaces leucine 492 with phenylalanine.
Molecular consequence: missense variant.
Genome position (GRCh38, 1-based): chr3:127,003,426, C>T. VCF-style: chr3-127003426-C-T. GRCh37 (hg19) VCF-style: chr3-126722269-C-T.
Other names: short protein forms L492F.
Identifiers: ClinVar variation 3358068 (VCV003358068.1).
Genomic context (GRCh38, chr3:127,003,426, plus strand): 5'-GCCCTGGCCTACGAGAGCGTCGTGGCCCAGGAGGGCAGCCCCATCCTGCGAGACCTCGTC[C>T]TCAGCCCCAACCACCAGTACCTCTACGCCATGACCGAGAAGCAGGTGGGTGCTGCACCAG-3'
Protein context (NP_115618.3, residues 482-502): EGSPILRDLV[Leu492Phe]SPNHQYLYAM

ClinVar aggregate classification (germline): Uncertain significance (0 of 4 stars; one submission).

Conditions:
PLXNA1-related disorder. Also called: PLXNA1-related condition.

gnomAD v4.1: 10 of 1,611,806 alleles (0.00062%); highest among the groups gnomAD compares: Admixed American, 0.0017%; no homozygotes.

Submission:

PreventionGenetics, part of Exact Sciences
Classification: Uncertain significance for PLXNA1-related condition. Last evaluated: 2024-04-03. Review status: no assertion criteria provided. Collection method: clinical testing. Allele origin: germline.
Comment: The PLXNA1 c.1474C>T variant is predicted to result in the amino acid substitution p.Leu492Phe. To our knowledge, this variant has not been reported in the literature. This variant is reported in 0.0023% of alleles in individuals of European (Non-Finnish) descent in gnomAD. At this time, the clinical significance of this variant is uncertain due to the absence of conclusive functional and genetic evidence.